The following is an entry in ClinVar:

ClinVar aggregate classification (germline): Likely pathogenic (1 of 4 stars; one submission).

Conditions:
Catecholaminergic polymorphic ventricular tachycardia 1. Also called: RYR2-Related Catecholaminergic Polymorphic Ventricular Tachycardia; VENTRICULAR TACHYCARDIA, STRESS-INDUCED POLYMORPHIC 1; VENTRICULAR TACHYCARDIA, CATECHOLAMINERGIC POLYMORPHIC, 1, WITH OR WITHOUT ATRIAL DYSFUNCTION AND/OR DILATED CARDIOMYOPATHY. Identifiers: Orphanet 3286, MedGen C1631597, MONDO:0011484, OMIM 604772.

Submission:

Labcorp Genetics (formerly Invitae), Labcorp
Classification: Likely pathogenic for Catecholaminergic polymorphic ventricular tachycardia 1. Last evaluated: 2018-12-03. Review status: criteria provided, single submitter. Criteria: Invitae Variant Classification Sherloc (09022015). Collection method: clinical testing. Allele origin: germline.
Comment: In summary, the currently available evidence indicates that the variant is pathogenic, but additional data are needed to prove that conclusively. Therefore, this variant has been classified as Likely Pathogenic. Algorithms developed to predict the effect of sequence changes on RNA splicing suggest that this variant may create or strengthen a splice site, but this prediction has not been confirmed by published transcriptional studies. Algorithms developed to predict the effect of missense changes on protein structure and function (SIFT, PolyPhen-2, Align-GVGD) all suggest that this variant is likely to be disruptive, but these predictions have not been confirmed by published functional studies and their clinical significance is uncertain. This variant is not present in population databases (ExAC no frequency). This sequence change replaces isoleucine with serine at codon 2419 of the RYR2 protein (p.Ile2419Ser). The isoleucine residue is highly conserved and there is a large physicochemical difference between isoleucine and serine.

NM_001035.3(RYR2):c.7256T>G (p.Ile2419Ser)

Gene: RYR2 (ryanodine receptor 2; plus strand). Cytogenetic location: 1q43.
Variant type: single nucleotide variant.
Coding change: c.7256T>G on transcript NM_001035.3 (MANE Select); coding-DNA position 7256, T replaced by G.
Protein change: p.Ile2419Ser; replaces isoleucine 2419 with serine.
Molecular consequence: missense variant.
Genome position (GRCh38, 1-based): chr1:237,643,361, T>G. VCF-style: chr1-237643361-T-G. GRCh37 (hg19) VCF-style: chr1-237806661-T-G.
Other names: c.7256T>G, p.Ile2419Ser (LRG_402t1); short protein forms I2419S.
Identifiers: ClinVar variation 649923 (VCV000649923.10), dbSNP rs1573300872, ClinGen allele CA345396928.